The following is an entry in ClinVar:

ClinVar aggregate classification (germline): Uncertain significance (1 of 4 stars; one submission).

Conditions:
Primary ciliary dyskinesia 28. Also called: CILIARY DYSKINESIA, PRIMARY, 28, WITH OR WITHOUT SITUS INVERSUS. Identifiers: Orphanet 244, MedGen C3809706, MONDO:0014216, OMIM 615505.

gnomAD v4.1: 22 of 1,613,620 alleles (0.0014%); highest among the groups gnomAD compares: South Asian, 0.0077%; no homozygotes.

Submission:

Labcorp Genetics (formerly Invitae), Labcorp
Classification: Uncertain significance for Primary ciliary dyskinesia 28. Last evaluated: 2025-11-06. Review status: criteria provided, single submitter. Criteria: Invitae Variant Classification Sherloc (09022015). Collection method: clinical testing. Allele origin: germline.
Comment: This sequence change replaces arginine, which is basic and polar, with tryptophan, which is neutral and slightly polar, at codon 577 of the SPAG1 protein (p.Arg577Trp). This variant is present in population databases (rs771548533, gnomAD 0.01%). This variant has not been reported in the literature in individuals affected with SPAG1-related conditions. Invitae Evidence Modeling of protein sequence and biophysical properties (such as structural, functional, and spatial information, amino acid conservation, physicochemical variation, residue mobility, and thermodynamic stability) indicates that this missense variant is expected to disrupt SPAG1 protein function with a positive predictive value of 80%. In summary, the available evidence is currently insufficient to determine the role of this variant in disease. Therefore, it has been classified as a Variant of Uncertain Significance.

NM_003114.5(SPAG1):c.1729C>T (p.Arg577Trp)

Gene: SPAG1 (sperm associated antigen 1; plus strand). Cytogenetic location: 8q22.2.
Variant type: single nucleotide variant.
Coding change: c.1729C>T on transcript NM_003114.5 (MANE Select); coding-DNA position 1729, C replaced by T.
Protein change: p.Arg577Trp; replaces arginine 577 with tryptophan.
Molecular consequence: missense variant.
Genome position (GRCh38, 1-based): chr8:100,225,213, C>T. VCF-style: chr8-100225213-C-T. GRCh37 (hg19) VCF-style: chr8-101237441-C-T.
Other names: c.1729C>T, p.Arg577Trp (NM_001374321.1, NM_172218.3); short protein forms R577W.
Identifiers: ClinVar variation 4749332 (VCV004749332.1).
Genomic context (GRCh38, chr8:100,225,213, plus strand): 5'-AAAATTCACTTTCTCTTTAGGCTATCAAGAATTTTAATGGAGCTGGATGGACCAAATTGG[C>T]GGGAGAAGCTGTCACCTATTCCTGCTGTGCCTGCTTCTGTGCCACTGCAAGCTTGGCATC-3'
Protein context (NP_003105.2, residues 567-587): ILMELDGPNW[Arg577Trp]EKLSPIPAVP